The following is an entry in ClinVar:

ClinVar aggregate classification (germline): Pathogenic/Likely pathogenic. Review status: criteria provided, multiple submitters, no conflicts (2 of 4 stars). 6 submissions from 6 submitters: Pathogenic (3); Likely pathogenic (1). 2 of the submissions do not count toward it. Last evaluated 2024-10-29.

Conditions:
Optic atrophy 12. Also called: Optic Atrophy Type 12 (OPA12). Identifiers: MedGen C5436534, MONDO:0033549, OMIM 618977.
Spastic ataxia 5. Also called: Spastic Ataxia Type 5 (SPAX5). Identifiers: Orphanet 313772, MedGen C3280977, MONDO:0013776, OMIM 614487.
Spinocerebellar ataxia type 28 (SCA28). Also called: Spinocerebellar Ataxia Type 28 (SCA28). Identifiers: Orphanet 101109, MedGen C1853249, MONDO:0012450, OMIM 610246.
AFG3L2-related disorder. Also called: AFG3L2-related condition.

gnomAD v4.1: 2 of 1,614,216 alleles (0.00012%); highest among the groups gnomAD compares: Non-Finnish European, 0.00017%; no homozygotes.

Submissions (6):

Athena Diagnostics
Classification: Pathogenic. Last evaluated: 2024-10-29. Review status: criteria provided, single submitter. Criteria: Athena Diagnostics Criteria. Collection method: clinical testing. Allele origin: unknown.
Comment: This variant has not been reported in large, multi-ethnic general populations. This variant associates with disease in multiple families. This variant has been identified in multiple unrelated individuals with clinical features associated with this gene. Polyphen and MutationTaster predict this amino acid change may be damaging to the protein. The variant is located in a region that is considered important for protein function and/or structure. At least one other missense variant at this codon is considered to be pathogenic or likely pathogenic, suggesting this variant may also cause disease.

Blueprint Genetics
Classification: Pathogenic for AFG3L2-related disorders. Last evaluated: 2024-06-17. Review status: criteria provided, single submitter. Criteria: ACMG Guidelines, 2015. Collection method: clinical testing. Allele origin: germline. Affected: yes. Observed: 2 variant alleles.

Fulgent Genetics
Classification: Likely pathogenic for Spinocerebellar ataxia type 28; Spastic ataxia 5; Optic atrophy 12. Last evaluated: 2021-12-21. Review status: criteria provided, single submitter. Criteria: ACMG Guidelines, 2015. Collection method: clinical testing. Allele origin: unknown.

CeGaT Center for Human Genetics Tuebingen
Classification: Pathogenic. Last evaluated: 2017-03-01. Review status: criteria provided, single submitter. Criteria: CeGaT Center For Human Genetics Tuebingen Variant Classification Criteria Version 2. Collection method: clinical testing. Allele origin: germline. Affected: yes. Observed: 1 variant allele.

OMIM
Classification: Pathogenic for SPINOCEREBELLAR ATAXIA 28. Last evaluated: 2010-10-01. Review status: no assertion criteria provided. Collection method: literature only. Allele origin: germline. Not counted in ClinVar's aggregate classification.

GeneReviews
No classification provided. Condition: Spinocerebellar ataxia type 28. Review status: no classification provided. Collection method: literature only. Allele origin: germline. Not counted in ClinVar's aggregate classification.

Literature cited by the submitters: PubMed 27196319 (cited by Athena Diagnostics); PubMed 32219868 (cited by Athena Diagnostics); PubMed 33084218 (cited by Athena Diagnostics); PubMed 35572931 (cited by Athena Diagnostics); PubMed 20725928 (cited by Athena Diagnostics and OMIM); PubMed 23777634 (cited by Athena Diagnostics); PubMed 31327635 (cited by Athena Diagnostics); PubMed 28444220 (cited by Athena Diagnostics); PubMed 29053796 (cited by Athena Diagnostics); NCBI Bookshelf NBK54582 (cited by GeneReviews).

NM_006796.3(AFG3L2):c.1996A>G (p.Met666Val)

Gene: AFG3L2 (AFG3 like matrix AAA peptidase subunit 2; minus strand). Cytogenetic location: 18p11.21.
Variant type: single nucleotide variant.
Coding change: c.1996A>G on transcript NM_006796.3 (MANE Select); coding-DNA position 1996, A replaced by G.
Protein change: p.Met666Val; replaces methionine 666 with valine.
Molecular consequence: missense variant.
Genome position (GRCh38, 1-based): chr18:12,337,520, T>C on the plus strand (A>G on the coding strand, the complement: AFG3L2 is on the minus strand). VCF-style: chr18-12337520-T-C. GRCh37 (hg19) VCF-style: chr18-12337519-T-C.
Other names: short protein forms M666V.
Identifiers: ClinVar variation 30423 (VCV000030423.49), dbSNP rs151344514, ClinGen allele CA342731.